The following is an entry in ClinVar:

NM_000393.5(COL5A2):c.2500-17T>C

Gene: COL5A2 (collagen type V alpha 2 chain; minus strand). Cytogenetic location: 2q32.2.
Variant type: single nucleotide variant.
Coding change: c.2500-17T>C on transcript NM_000393.5 (MANE Select); 17 bases into the intron before coding-DNA position 2500, T replaced by C.
Molecular consequence: intron variant.
Genome position (GRCh38, 1-based): chr2:189,053,494, A>G on the plus strand (T>C on the coding strand, the complement: COL5A2 is on the minus strand). VCF-style: chr2-189053494-A-G. GRCh37 (hg19) VCF-style: chr2-189918220-A-G.
Identifiers: ClinVar variation 513788 (VCV000513788.1), dbSNP rs530643338, ClinGen allele CA2022289.
Genomic context (GRCh38, chr2:189,053,494, plus strand): 5'-GCAAAACCAACAGCTCCAGTTGGCCCATTTTCACCTCGAGAACCCTAGGAGGAGACAAAG[A>G]TTACTGTAGCTTTCACACATTATCCTAAACAGGAACAGTATTTTAAAATATGATCATATA-3'

ClinVar aggregate classification (germline): Likely benign (1 of 4 stars; one submission).

Allele frequency attached by ClinVar (database versions not stated): gnomAD below 0.00001 and 0.00003; gnomAD exomes 0.00001 and 0.00004; ExAC 0.00008; 1000 Genomes Project 30x 0.00047; 1000 Genomes Project 0.00060.
gnomAD v4.1: 15 of 1,610,522 alleles (0.00093%); highest among the groups gnomAD compares: South Asian, 0.015%; no homozygotes.

Submission:

GeneDx
Classification: Likely benign. Last evaluated: 2017-12-05. Review status: criteria provided, single submitter. Criteria: GeneDx Variant Classification (06012015). Collection method: clinical testing. Allele origin: germline. Affected: yes.
Comment: This variant is considered likely benign or benign based on one or more of the following criteria: it is a conservative change, it occurs at a poorly conserved position in the protein, it is predicted to be benign by multiple in silico algorithms, and/or has population frequency not consistent with disease.